The following is an entry in ClinVar:

NM_000540.3(RYR1):c.7746G>A (p.Met2582Ile)

Gene: RYR1 (ryanodine receptor 1; plus strand). Cytogenetic location: 19q13.2.
Variant type: single nucleotide variant.
Coding change: c.7746G>A on transcript NM_000540.3 (MANE Select); coding-DNA position 7746, G replaced by A.
Protein change: p.Met2582Ile; replaces methionine 2582 with isoleucine.
Molecular consequence: missense variant.
Genome position (GRCh38, 1-based): chr19:38,502,638, G>A. VCF-style: chr19-38502638-G-A. GRCh37 (hg19) VCF-style: chr19-38993278-G-A.
Other names: c.7746G>A, p.Met2582Ile (NM_001042723.2); short protein forms M2582I.
Identifiers: ClinVar variation 3072169 (VCV003072169.1), dbSNP rs2514334277, ClinGen allele CA405671903.
Genomic context (GRCh38, chr19:38,502,638, plus strand): 5'-CACCAAGTGTGCGCCGCTCTTTGCGGGCACAGAACACCGCGCCATCATGGTGGACTCTAT[G>A]CTGCATACCGTGTACCGCCTGTCTCGGGGTCGTTCGCTCACCAAGGCGCAGCGTGACGTC-3'
Protein context (NP_000531.2, residues 2572-2592): TEHRAIMVDS[Met2582Ile]LHTVYRLSRG

ClinVar aggregate classification (germline): Uncertain significance (1 of 4 stars; one submission).

Conditions:
Malignant hyperthermia, susceptibility to, 1 (MHS1). Also called: Anesthesia related hyperthermia; Malignant hyperpyrexia; Fulminating hyperpyrexia; Pharmacogenic myopathy; RYR1-Related Malignant Hyperthermia Susceptibility; Malignant hyperthermia suceptibility 1. Identifiers: Orphanet 423, MedGen C2930980, MONDO:0007783, OMIM 145600.

Allele frequency attached by ClinVar (database versions not stated): gnomAD exomes 0.00001.
gnomAD v4.1: 4 of 1,613,088 alleles (0.00025%); highest among the groups gnomAD compares: East Asian, 0.0022%; 1 homozygote.

Submission:

All of Us Research Program, National Institutes of Health
Classification: Uncertain significance for Malignant hyperthermia, susceptibility to, 1. Last evaluated: 2023-10-23. Review status: criteria provided, single submitter. Criteria: ACMG Guidelines, 2015. Collection method: clinical testing. Allele origin: germline. Inheritance: Autosomal dominant inheritance. Observed: 2 variant alleles, 2 heterozygotes.
Comment: This missense variant replaces methionine with isoleucine at codon 2582 of the RYR1 protein. Computational prediction suggests that this variant may not impact protein structure and function (internally defined REVEL score threshold <= 0.5, PMID: 27666373). To our knowledge, functional studies have not been reported for this variant. This variant has not been reported in individuals affected with RYR1-related disorders in the literature. This variant has not been identified in the general population by the Genome Aggregation Database (gnomAD). The available evidence is insufficient to determine the role of this variant in disease conclusively. Therefore, this variant is classified as a Variant of Uncertain Significance.

This study involves interpretation of variants in research participants for the purpose of population health screening. Participant phenotype was not available at the time of variant classification. Additional details can be found in publication PMID: 35346344, PMCID: PMC8962531